The following is an entry in ClinVar:

ClinVar aggregate classification (germline): Uncertain significance. Review status: criteria provided, multiple submitters, no conflicts (2 of 4 stars). 3 submissions from 3 submitters: Uncertain significance (3). Last evaluated 2025-07-03.

Conditions:
Hereditary cancer-predisposing syndrome. Also called: Tumor predisposition; Hereditary Cancer Syndrome; Hereditary neoplastic syndrome; Neoplastic Syndromes, Hereditary. Identifiers: Orphanet 140162, MedGen C0027672, MeSH D009386, MONDO:0015356.
DICER1-related tumor predisposition. Also called: DICER1-related pleuropulmonary blastoma cancer predisposition syndrome; DICER1 syndrome. Identifiers: Orphanet 284343, MedGen C3839822, MONDO:0100216.

Submissions (3):

Ambry Genetics
Classification: Uncertain significance for Hereditary cancer-predisposing syndrome. Last evaluated: 2025-07-03. Review status: criteria provided, single submitter. Criteria: Ambry Variant Classification Scheme 2023. Collection method: clinical testing. Allele origin: germline.
Comment: The c.2040+4A>G intronic variant results from an A to G substitution 4 nucleotides after coding exon 11 in the DICER1 gene. This nucleotide position is well conserved in available vertebrate species. In silico splice site analysis predicts that this alteration will weaken the native splice donor site. Based on the available evidence, the clinical significance of this variant remains unclear.

Institute for Genomic Medicine (IGM) Clinical Laboratory, Nationwide Children's Hospital
Classification: Uncertain significance for DICER1-related tumor predisposition. Last evaluated: 2024-12-30. Review status: criteria provided, single submitter. Criteria: ACMG Guidelines, 2015. Collection method: clinical testing. Allele origin: germline.
Comment: This variant is absent from or present at an exceedingly low frequency in gnomAD, a large-scale control population database (ACMG/AMP: PM2). This variant is predicted to alter protein function or structure, or disrupt splicing by multiple in silico tools (ACMG/AMP: PP3).

Labcorp Genetics (formerly Invitae), Labcorp
Classification: Uncertain significance for DICER1-related tumor predisposition. Last evaluated: 2024-12-23. Review status: criteria provided, single submitter. Criteria: Invitae Variant Classification Sherloc (09022015). Collection method: clinical testing. Allele origin: germline.
Comment: This sequence change falls in intron 12 of the DICER1 gene. It does not directly change the encoded amino acid sequence of the DICER1 protein. It affects a nucleotide within the consensus splice site. This variant is not present in population databases (gnomAD no frequency). This variant has not been reported in the literature in individuals affected with DICER1-related conditions. Variants that disrupt the consensus splice site are a relatively common cause of aberrant splicing (PMID: 17576681, 9536098). Algorithms developed to predict the effect of sequence changes on RNA splicing suggest that this variant may disrupt the consensus splice site. In summary, the available evidence is currently insufficient to determine the role of this variant in disease. Therefore, it has been classified as a Variant of Uncertain Significance.

Literature cited by the submitters: PubMed 17576681 (cited by Labcorp Genetics (formerly Invitae), Labcorp); PubMed 9536098 (cited by Labcorp Genetics (formerly Invitae), Labcorp).

NM_177438.3(DICER1):c.2040+4A>G

Gene: DICER1 (dicer 1, ribonuclease III; minus strand). Cytogenetic location: 14q32.13.
Variant type: single nucleotide variant.
Coding change: c.2040+4A>G on transcript NM_177438.3 (MANE Select); 4 bases into the intron after coding-DNA position 2040, A replaced by G.
Molecular consequence: intron variant.
Genome position (GRCh38, 1-based): chr14:95,113,088, T>C on the plus strand (A>G on the coding strand, the complement: DICER1 is on the minus strand). VCF-style: chr14-95113088-T-C. GRCh37 (hg19) VCF-style: chr14-95579425-T-C.
Other names: c.1635+4A>G (NM_001395688.1, NM_001395696.1, NM_001395698.1 and 3 more transcripts); c.357+4A>G (NM_001395697.1); c.2040+4A>G (NM_001395679.1, NM_001395682.1, NM_001271282.3 and 13 more transcripts); c.1758+4A>G (NM_001395686.1); c.1473+4A>G (NM_001395691.1).
Identifiers: ClinVar variation 3727810 (VCV003727810.4).
Genomic context (GRCh38, chr14:95,113,088, plus strand): 5'-AGCTGAAAAAATCCACTAATGACACATTTTAAAAGATAACAATCATTTCTTCTTCTAAAC[T>C]TACAACAATGGAGGCTCGAAGAGGTGAGTTAATTGGCAGATAAAGAGTTGAATAAAATGT-3'